The following is an entry in ClinVar:

ClinVar aggregate classification (germline): Uncertain significance (1 of 4 stars; one submission).

Submission:

Mayo Clinic Laboratories, Mayo Clinic
Classification: Uncertain significance. Last evaluated: 2025-11-08. Review status: criteria provided, single submitter. Criteria: ACMG Guidelines, 2015. Collection method: clinical testing. Allele origin: germline. Observed: 1 variant allele.
Comment: BP4

NM_005502.4(ABCA1):c.2719G>A (p.Val907Ile)

Gene: ABCA1 (ATP binding cassette subfamily A member 1; minus strand). Cytogenetic location: 9q31.1.
Variant type: single nucleotide variant.
Coding change: c.2719G>A on transcript NM_005502.4 (MANE Select); coding-DNA position 2719, G replaced by A.
Protein change: p.Val907Ile; replaces valine 907 with isoleucine.
Molecular consequence: missense variant.
Genome position (GRCh38, 1-based): chr9:104,822,605, C>T on the plus strand (G>A on the coding strand, the complement: ABCA1 is on the minus strand). VCF-style: chr9-104822605-C-T. GRCh37 (hg19) VCF-style: chr9-107584886-C-T.
Other names: p.Val907Ile; short protein forms V907I.
Identifiers: ClinVar variation 4541461 (VCV004541461.1).
Genomic context (GRCh38, chr9:104,822,605, plus strand): 5'-GGCCCTCATAAAAATTCAGTGCCAGGCCATCGACAGCCACCTTCATCCCATCTCGGTAGA[C>T]TTTTACCAGGTTCTGAATGGACACGCCCAGCTTCAAGTGGGTGGGTTCCTCCTCCATGCA-3'
Protein context (NP_005493.2, residues 897-917): LGVSIQNLVK[Val907Ile]YRDGMKVAVD